The following is an entry in ClinVar:

NM_007194.4(CHEK2):c.1096A>G (p.Ile366Val)

Gene: CHEK2 (checkpoint kinase 2; minus strand). Cytogenetic location: 22q12.1.
Variant type: single nucleotide variant.
Coding change: c.1096A>G on transcript NM_007194.4 (MANE Select); coding-DNA position 1096, A replaced by G.
Protein change: p.Ile366Val; replaces isoleucine 366 with valine.
Molecular consequence: missense variant.
Genome position (GRCh38, 1-based): chr22:28,695,873, T>C on the plus strand (A>G on the coding strand, the complement: CHEK2 is on the minus strand). VCF-style: chr22-28695873-T-C. GRCh37 (hg19) VCF-style: chr22-29091861-T-C.
Other names: c.1225A>G, p.Ile409Val (NM_001005735.3); c.433A>G, p.Ile145Val (NM_001257387.3); c.895A>G, p.Ile299Val (NM_001349956.3); c.1009A>G, p.Ile337Val (NM_145862.3); short protein forms I145V, I366V, I409V, I299V, I337V.
Identifiers: ClinVar variation 644378 (VCV000644378.14), dbSNP rs1601723767, ClinGen allele CA411097239.
Genomic context (GRCh38, chr22:28,695,873, plus strand): 5'-CACATAAGGTTCTCATGAGAGAGGTCTCTCCCAAAATCTTGGAGTGCCCAAAATCAGTAA[T>C]CTAAAATTCAGTACAAAAGGGAATAATGTTGAACTTGCCATAAAATAAAAAGATTAACAT-3'
Protein context (NP_009125.1, residues 356-376): SSQEEDCLIK[Ile366Val]TDFGHSKILG

ClinVar aggregate classification (germline): Uncertain significance. Review status: criteria provided, multiple submitters, no conflicts (2 of 4 stars). 3 submissions from 3 submitters: Uncertain significance (3). Last evaluated 2025-10-11.

Conditions:
Hereditary cancer-predisposing syndrome. Also called: Neoplastic Syndromes, Hereditary; Tumor predisposition; Hereditary neoplastic syndrome; Hereditary Cancer Syndrome. Identifiers: Orphanet 140162, MedGen C0027672, MeSH D009386, MONDO:0015356.
Familial cancer of breast. Also called: hereditary breast carcinoma; BREAST CANCER, FAMILIAL; Hereditary breast cancer. Identifiers: Orphanet 227535, MedGen C0346153, MONDO:0016419, OMIM 114480. Disease mechanism: loss of function.

Allele frequency attached by ClinVar (database versions not stated): gnomAD exomes below 0.00001; TOPMed below 0.00001.
gnomAD v4.1: 1 of 1,609,986 alleles (0.000062%); highest among the groups gnomAD compares: Admixed American, 0.0017%; no homozygotes.

Submissions (3):

Labcorp Genetics (formerly Invitae), Labcorp
Classification: Uncertain significance for Familial cancer of breast. Last evaluated: 2025-10-11. Review status: criteria provided, single submitter. Criteria: Invitae Variant Classification Sherloc (09022015). Collection method: clinical testing. Allele origin: germline.
Comment: This sequence change replaces isoleucine, which is neutral and non-polar, with valine, which is neutral and non-polar, at codon 366 of the CHEK2 protein (p.Ile366Val). This variant is not present in population databases (gnomAD no frequency). This variant has not been reported in the literature in individuals affected with CHEK2-related conditions. ClinVar contains an entry for this variant (Variation ID: 644378). An algorithm developed to predict the effect of missense changes on protein structure and function (PolyPhen-2) suggests that this variant is likely to be tolerated. In summary, the available evidence is currently insufficient to determine the role of this variant in disease. Therefore, it has been classified as a Variant of Uncertain Significance.

Quest Diagnostics Nichols Institute San Juan Capistrano
Classification: Uncertain significance. Last evaluated: 2024-07-15. Review status: criteria provided, single submitter. Criteria: Quest Diagnostics criteria. Collection method: clinical testing. Allele origin: unknown.
Comment: The CHEK2 c.1096A>G (p.Ile366Val) variant has been reported in the published literature in individuals with breast cancer (PMID: 33471991 (2021), see also LOVD). This variant has also been identified in reportedly healthy individuals (PMID: 37449874 (2023), 33471991 (2021), see also LOVD). Assessment of experimental evidence regarding the effect of this variant on protein function is inconclusive (PMID: 37449874 (2023)). This variant has not been reported in large, multi-ethnic general populations (Genome Aggregation Database). Analysis of this variant using bioinformatics tools for the prediction of the effect of amino acid changes on protein structure and function yielded predictions that this variant is benign. Based on the available information, we are unable to determine the clinical significance of this variant.

Ambry Genetics
Classification: Uncertain significance for Hereditary cancer-predisposing syndrome. Last evaluated: 2024-04-11. Review status: criteria provided, single submitter. Criteria: Ambry Variant Classification Scheme 2023. Collection method: clinical testing. Allele origin: germline.
Comment: The p.I366V variant (also known as c.1096A>G) is located in coding exon 10 of the CHEK2 gene. The isoleucine at codon 366 is replaced by valine, an amino acid with highly similar properties. This change occurs in the first base pair of coding exon 10. This alteration was reported as functional in a study assessing CHEK2-complementation through quantification of KAP1 phosphorylation and CHK2 autophosphorylation in human RPE1-CHEK2-knockout cells (Stolarova L et al. Clin Cancer Res, 2023 Aug;29:3037-3050). This amino acid position is well conserved in available vertebrate species. In addition, this alteration is predicted to be tolerated by in silico analysis. Based on the available evidence, the clinical significance of this variant remains unclear.

Literature cited by the submitters: PubMed 37449874 (cited by Quest Diagnostics Nichols Institute San Juan Capistrano and Ambry Genetics); PubMed 33471991 (cited by Quest Diagnostics Nichols Institute San Juan Capistrano).